The following is an entry in ClinVar:

ClinVar aggregate classification (germline): Likely pathogenic (1 of 4 stars; one submission).

Conditions:
X-linked agammaglobulinemia with growth hormone deficiency (IGHD3). Also called: AGAMMAGLOBULINEMIA AND ISOLATED GROWTH HORMONE DEFICIENCY, X-LINKED; ISOLATED GROWTH HORMONE DEFICIENCY, TYPE III, WITH AGAMMAGLOBULINEMIA; FLEISHER SYNDROME; HYPOGAMMAGLOBULINEMIA AND ISOLATED GROWTH HORMONE DEFICIENCY, X-LINKED; Isolated growth hormone deficiency type 3; Growth hormone deficiency with hypogammaglobulinemia. Identifiers: Orphanet 231692, Orphanet 631, MedGen C0472813, MONDO:0010615, OMIM 307200.

Submission:

Labcorp Genetics (formerly Invitae), Labcorp
Classification: Likely pathogenic for X-linked agammaglobulinemia with growth hormone deficiency. Last evaluated: 2022-11-13. Review status: criteria provided, single submitter. Criteria: Invitae Variant Classification Sherloc (09022015). Collection method: clinical testing. Allele origin: germline.
Comment: This sequence change replaces phenylalanine, which is neutral and non-polar, with serine, which is neutral and polar, at codon 102 of the BTK protein (p.Phe102Ser). This variant is not present in population databases (gnomAD no frequency). This missense change has been observed in individual(s) with clinical features of agammaglobulinemia (Invitae). ClinVar contains an entry for this variant (Variation ID: 1391246). Advanced modeling of protein sequence and biophysical properties (such as structural, functional, and spatial information, amino acid conservation, physicochemical variation, residue mobility, and thermodynamic stability) performed at Invitae indicates that this missense variant is not expected to disrupt BTK protein function. In summary, the currently available evidence indicates that the variant is pathogenic, but additional data are needed to prove that conclusively. Therefore, this variant has been classified as Likely Pathogenic.

NM_000061.3(BTK):c.305T>C (p.Phe102Ser)

Gene: BTK (Bruton tyrosine kinase; minus strand). Cytogenetic location: Xq22.1.
Variant type: single nucleotide variant.
Coding change: c.305T>C on transcript NM_000061.3 (MANE Select); coding-DNA position 305, T replaced by C.
Protein change: p.Phe102Ser; replaces phenylalanine 102 with serine.
Molecular consequence: missense variant.
Genome position (GRCh38, 1-based): chrX:101,371,637, A>G on the plus strand (T>C on the coding strand, the complement: BTK is on the minus strand). VCF-style: chrX-101371637-A-G. GRCh37 (hg19) VCF-style: chrX-100626625-A-G.
Other names: c.407T>C, p.Phe136Ser (NM_001287344.2); c.305T>C, p.Phe102Ser (NM_001287345.2); short protein forms F136S, F102S.
Identifiers: ClinVar variation 1391246 (VCV001391246.6), dbSNP rs2147444867, ClinGen allele CA413938034.